The following is an entry in ClinVar:

ClinVar aggregate classification (germline): Uncertain significance (1 of 4 stars; one submission).

Conditions:
Cardiovascular phenotype. Identifiers: MedGen CN230736.

gnomAD v4.1: 4 of 1,613,906 alleles (0.00025%); highest among the groups gnomAD compares: Non-Finnish European, 0.00034%; no homozygotes.

Submission:

Ambry Genetics
Classification: Uncertain significance for Cardiovascular phenotype. Last evaluated: 2024-09-30. Review status: criteria provided, single submitter. Criteria: Ambry Variant Classification Scheme 2023. Collection method: clinical testing. Allele origin: germline.
Comment: The p.T1315I variant (also known as c.3944C>T), located in coding exon 23 of the SOS1 gene, results from a C to T substitution at nucleotide position 3944. The threonine at codon 1315 is replaced by isoleucine, an amino acid with similar properties. This amino acid position is conserved. In addition, this alteration is predicted to be tolerated by in silico analysis. Based on the available evidence, the clinical significance of this variant remains unclear.

NM_005633.4(SOS1):c.3944C>T (p.Thr1315Ile)

Gene: SOS1 (SOS Ras/Rac guanine nucleotide exchange factor 1; minus strand). Cytogenetic location: 2p22.1.
Variant type: single nucleotide variant.
Coding change: c.3944C>T on transcript NM_005633.4 (MANE Select); coding-DNA position 3944, C replaced by T.
Protein change: p.Thr1315Ile; replaces threonine 1315 with isoleucine.
Molecular consequence: missense variant.
Genome position (GRCh38, 1-based): chr2:38,985,882, G>A on the plus strand (C>T on the coding strand, the complement: SOS1 is on the minus strand). VCF-style: chr2-38985882-G-A. GRCh37 (hg19) VCF-style: chr2-39213023-G-A.
Other names: c.3923C>T, p.Thr1308Ile (NM_001382394.1); c.3899C>T, p.Thr1300Ile (NM_001382395.1); short protein forms T1315I, T1308I, T1300I.
Identifiers: ClinVar variation 3447309 (VCV003447309.1).